The following is an entry in ClinVar:

NM_004621.6(TRPC6):c.2378A>G (p.Lys793Arg)

Gene: TRPC6 (transient receptor potential cation channel subfamily C member 6; minus strand). Cytogenetic location: 11q22.1.
Variant type: single nucleotide variant.
Coding change: c.2378A>G on transcript NM_004621.6 (MANE Select); coding-DNA position 2378, A replaced by G.
Protein change: p.Lys793Arg; replaces lysine 793 with arginine.
Molecular consequence: missense variant.
Genome position (GRCh38, 1-based): chr11:101,471,214, T>C on the plus strand (A>G on the coding strand, the complement: TRPC6 is on the minus strand). VCF-style: chr11-101471214-T-C. GRCh37 (hg19) VCF-style: chr11-101341945-T-C.
Other names: short protein forms K793R.
Identifiers: ClinVar variation 1488176 (VCV001488176.8), dbSNP rs781716167, ClinGen allele CA382438705.

ClinVar aggregate classification (germline): Uncertain significance (1 of 4 stars; one submission).

Allele frequency attached by ClinVar (database versions not stated): gnomAD exomes below 0.00001.
gnomAD v4.1: 1 of 1,613,924 alleles (0.000062%); highest among the groups gnomAD compares: African/African-American, 0.0013%; no homozygotes.

Submission:

Labcorp Genetics (formerly Invitae), Labcorp
Classification: Uncertain significance. Last evaluated: 2025-06-12. Review status: criteria provided, single submitter. Criteria: Invitae Variant Classification Sherloc (09022015). Collection method: clinical testing. Allele origin: germline.
Comment: This sequence change replaces lysine, which is basic and polar, with arginine, which is basic and polar, at codon 793 of the TRPC6 protein (p.Lys793Arg). This variant is not present in population databases (gnomAD no frequency). This variant has not been reported in the literature in individuals affected with TRPC6-related conditions. ClinVar contains an entry for this variant (Variation ID: 1488176). Invitae Evidence Modeling of protein sequence and biophysical properties (such as structural, functional, and spatial information, amino acid conservation, physicochemical variation, residue mobility, and thermodynamic stability) indicates that this missense variant is not expected to disrupt TRPC6 protein function with a negative predictive value of 95%. In summary, the available evidence is currently insufficient to determine the role of this variant in disease. Therefore, it has been classified as a Variant of Uncertain Significance.